The following is an entry in ClinVar:

NM_014334.4(FRRS1L):c.512G>A (p.Arg171His)

Gene: FRRS1L (ferric chelate reductase 1 like; minus strand). Cytogenetic location: 9q31.3.
Variant type: single nucleotide variant.
Coding change: c.512G>A on transcript NM_014334.4 (MANE Select); coding-DNA position 512, G replaced by A.
Protein change: p.Arg171His; replaces arginine 171 with histidine.
Molecular consequence: missense variant.
Genome position (GRCh38, 1-based): chr9:109,141,540, C>T on the plus strand (G>A on the coding strand, the complement: FRRS1L is on the minus strand). VCF-style: chr9-109141540-C-T. GRCh37 (hg19) VCF-style: chr9-111903820-C-T.
Other names: c.665G>A (NM_014334.2); short protein forms R171H.
Identifiers: ClinVar variation 1514252 (VCV001514252.8), dbSNP rs534260927, ClinGen allele CA5177381.
Genomic context (GRCh38, chr9:109,141,540, plus strand): 5'-CTGGCAGGGTTTCTCTGAATCTCCTTTGCCCACTGGCCTACATTATAGAAGTGCTGTATG[C>T]GGACCCTGCCATTGTCATCATGGACGCAGGCCATGACATCATCACCACCCTAACATGAGA-3'
Protein context (NP_055149.3, residues 161-181): ACVHDDNGRV[Arg171His]IQHFYNVGQW

ClinVar aggregate classification (germline): Uncertain significance. Review status: criteria provided, multiple submitters, no conflicts (2 of 4 stars). 3 submissions from 3 submitters: Uncertain significance (3). Last evaluated 2025-10-14.

Conditions:
Developmental and epileptic encephalopathy, 37 (DEE37). Also called: Epileptic encephalopathy, early infantile, 37. Identifiers: MedGen C4310770, MONDO:0014859, OMIM 616981.
Inborn genetic diseases. Identifiers: MedGen C0950123, MeSH D030342.

Allele frequency attached by ClinVar (database versions not stated): gnomAD 0.00001; TOPMed 0.00001; ExAC 0.00002; gnomAD exomes 0.00002; 1000 Genomes Project 0.00020; 1000 Genomes Project 30x 0.00031.
gnomAD v4.1: 22 of 1,613,826 alleles (0.0014%); highest among the groups gnomAD compares: South Asian, 0.0033%; no homozygotes.

Submissions (3):

Ambry Genetics
Classification: Uncertain significance for Inborn genetic diseases. Last evaluated: 2025-10-14. Review status: criteria provided, single submitter. Criteria: Ambry Variant Classification Scheme 2023. Collection method: clinical testing. Allele origin: germline.

Blueprint Genetics
Classification: Uncertain significance. Last evaluated: 2024-11-26. Review status: criteria provided, single submitter. Criteria: ACMG Guidelines, 2015. Collection method: clinical testing. Allele origin: germline.

Labcorp Genetics (formerly Invitae), Labcorp
Classification: Uncertain significance for Developmental and epileptic encephalopathy, 37. Last evaluated: 2021-03-13. Review status: criteria provided, single submitter. Criteria: Invitae Variant Classification Sherloc (09022015). Collection method: clinical testing. Allele origin: germline.
Comment: In summary, the available evidence is currently insufficient to determine the role of this variant in disease. Therefore, it has been classified as a Variant of Uncertain Significance. Algorithms developed to predict the effect of missense changes on protein structure and function do not agree on the potential impact of this missense change (SIFT: "Deleterious"; PolyPhen-2: "Benign"; Align-GVGD: "Class C0"). This variant has not been reported in the literature in individuals with FRRS1L-related disease. This variant is present in population databases (rs534260927, ExAC 0.01%). This sequence change replaces arginine with histidine at codon 222 of the FRRS1L protein (p.Arg222His). The arginine residue is highly conserved and there is a small physicochemical difference between arginine and histidine.